The following is an entry in ClinVar:

NM_000548.5(TSC2):c.4735G>A (p.Gly1579Ser)

Gene: TSC2 (TSC complex subunit 2; plus strand). Cytogenetic location: 16p13.3.
Variant type: single nucleotide variant.
Coding change: c.4735G>A on transcript NM_000548.5 (MANE Select); coding-DNA position 4735, G replaced by A.
Protein change: p.Gly1579Ser; replaces glycine 1579 with serine.
Molecular consequence: missense variant.
Genome position (GRCh38, 1-based): chr16:2,086,265, G>A. VCF-style: chr16-2086265-G-A. GRCh37 (hg19) VCF-style: chr16-2136266-G-A.
Other names: c.4606G>A, p.Gly1536Ser (NM_021055.3, NM_001370405.1); c.4534G>A, p.Gly1512Ser (NM_001077183.3); c.4666G>A, p.Gly1556Ser (NM_001114382.3); c.4426G>A, p.Gly1476Ser (NM_001318827.2); c.4390G>A, p.Gly1464Ser (NM_001318829.2); c.4003G>A, p.Gly1335Ser (NM_001318831.2); c.4567G>A, p.Gly1523Ser (NM_001318832.2); c.4537G>A, p.Gly1513Ser (NM_001363528.2); and 1 more; short protein forms G1579S, G1335S, G1476S, G1513S, G1523S, G1464S, G1512S, G1535S.
Identifiers: ClinVar variation 49956 (VCV000049956.6), dbSNP rs45503995, ClinGen allele CA020963.
Genomic context (GRCh38, chr16:2,086,265, plus strand): 5'-CTCGCCATCCTGTCCAATGAGCATGGCTCCTACAGGTACACGGAGTTCCTGACGGGCCTG[G>A]GCCGGCTCATCGAGCTGAAGGACTGCCAGCCGGACAAGGTGTACCTGGGAGGCCTGGACG-3'
Protein context (NP_000539.2, residues 1569-1589): YRYTEFLTGL[Gly1579Ser]RLIELKDCQP

ClinVar aggregate classification (germline): Likely pathogenic. Review status: criteria provided, single submitter (1 of 4 stars). 3 submissions from 3 submitters: Likely pathogenic (1). 2 of the submissions do not count toward it. Last evaluated 2022-05-23.

Conditions:
Tuberous sclerosis syndrome (TSC). Also called: Tuberous Sclerosis Complex; Tuberous sclerosis. Identifiers: Orphanet 805, MedGen C0041341, MONDO:0001734.
Tuberous sclerosis 2 (TSC2). Identifiers: Orphanet 805, MedGen C1860707, MONDO:0013199, OMIM 613254.

Submissions (3):

Labcorp Genetics (formerly Invitae), Labcorp
Classification: Likely pathogenic for Tuberous sclerosis 2. Last evaluated: 2022-05-23. Review status: criteria provided, single submitter. Criteria: Invitae Variant Classification Sherloc (09022015). Collection method: clinical testing. Allele origin: germline.
Comment: Advanced modeling of protein sequence and biophysical properties (such as structural, functional, and spatial information, amino acid conservation, physicochemical variation, residue mobility, and thermodynamic stability) performed at Invitae indicates that this missense variant is expected to disrupt TSC2 protein function. This sequence change replaces glycine, which is neutral and non-polar, with serine, which is neutral and polar, at codon 1579 of the TSC2 protein (p.Gly1579Ser). This variant is not present in population databases (gnomAD no frequency). This missense change has been observed in individual(s) with clinical features of tuberous sclerosis complex (PMID: 15121792). It has also been observed to segregate with disease in related individuals. This variant is also known as G1556S. ClinVar contains an entry for this variant (Variation ID: 49956). Experimental studies have shown that this missense change affects TSC2 function (PMID: 15483652, 18695678, 21309039). In summary, the currently available evidence indicates that the variant is pathogenic, but additional data are needed to prove that conclusively. Therefore, this variant has been classified as Likely Pathogenic.

GeneReviews
No classification provided. Condition: Tuberous sclerosis 2. Review status: no classification provided. Collection method: literature only. Allele origin: germline. Not counted in ClinVar's aggregate classification.

Tuberous sclerosis database (TSC2)
No classification provided. Condition: TSC. Review status: no classification provided. Criteria: Tuberous Sclerosis Database Assertion Criteria 2015. Collection method: curation. Allele origin: germline. Affected: yes. Not counted in ClinVar's aggregate classification.

Literature cited by the submitters: PubMed 15121792 (cited by Labcorp Genetics (formerly Invitae), Labcorp); PubMed 15483652 (cited by Labcorp Genetics (formerly Invitae), Labcorp); PubMed 18695678 (cited by Labcorp Genetics (formerly Invitae), Labcorp); PubMed 21309039 (cited by Labcorp Genetics (formerly Invitae), Labcorp).